The following is an entry in ClinVar:

ClinVar aggregate classification (germline): Uncertain significance (1 of 4 stars; one submission).

Conditions:
Neurodevelopmental disorder. Identifiers: MedGen C1535926, MeSH D065886, MONDO:0700092.

Submission:

Victorian Clinical Genetics Services, Murdoch Childrens Research Institute
Classification: Uncertain significance for Neurodevelopmental disorder. Last evaluated: 2026-07-21. Review status: criteria provided, single submitter. Criteria: ACMG Guidelines, 2015. Collection method: clinical testing. Allele origin: germline. Affected: yes.
Comment: This variant is classified as VUS-3A. Evidence in support of pathogenic classification: Canonical splice site variant without proven consequence on splicing (no functional evidence available); This variant is absent from gnomAD v4; Abnormal splicing is predicted by in silico tool and affected nucleotide is highly conserved. Additional information: This variant is heterozygous; This gene is associated with autosomal dominant disease; Alternative nucleotide change(s) at the same canonical splice site are present in gnomAD (highest allele count: v4: 1 heterozygote(s), 0 homozygote(s)); This variant has no previous evidence of pathogenicity; No published evidence of segregation with disease has been identified for this variant; No published functional evidence has been identified for this variant; Another variant(s) comparable to the one identified in this case has inconclusive previous evidence for pathogenicity. c.4849+1G>C has been reported in the literature in an individual in an autism spectrum disorder cohort; the variant was said to be inherited (PMID: 28263302); Loss of function is a known mechanism of disease in this gene and is associated with neurodevelopmental disorder (MONDO:0700092), WDFY3-related. A macrocephaly phenotype is known to be caused by loss of function variants, while microcephaly 18, primary (MIM#617520) is likely due to gain of function and increased wnt signalling (PMID: 31327001, 27008544).

Literature cited by the submitters: PubMed 31327001; PubMed 27008544.

NM_014991.6(WDFY3):c.4849+2del

Gene: WDFY3 (WD repeat and FYVE domain containing 3; minus strand). Cytogenetic location: 4q21.23.
Variant type: Deletion.
Coding change: c.4849+2del on transcript NM_014991.6 (MANE Select); the canonical splice donor site of the intron after coding-DNA position 4849, one base deleted (T; older notation c.4849+2delT).
Molecular consequence: splice donor variant.
Genome position (GRCh38, 1-based): chr4:84,772,833, A deleted on the plus strand (T on the coding strand, the reverse complement: WDFY3 is on the minus strand). VCF-style (leftmost placement, unchanged base first): chr4-84772832-TA-T. GRCh37 (hg19) VCF-style: chr4-85693985-TA-T.
Identifiers: ClinVar variation 4879818 (VCV004879818.1).
Genomic context (GRCh38, chr4:84,772,832, plus strand): 5'-AGAAGAAAAAAGGCATAATATTTAGTTGACCACTATCTTCTCCAAGCTCCAGAATCAACT[TA>T]CCAGTGTCAAGCTTCTCTTCATTATTTATTTCCATTACTACAAATTTCTCACAAACCGCA-3'